The following is an entry in ClinVar:

ClinVar aggregate classification (germline): Pathogenic (1 of 4 stars; one submission).

Submission:

Labcorp Genetics (formerly Invitae), Labcorp
Classification: Pathogenic. Last evaluated: 2022-06-08. Review status: criteria provided, single submitter. Criteria: Invitae Variant Classification Sherloc (09022015). Collection method: clinical testing. Allele origin: germline.
Comment: This sequence change creates a premature translational stop signal (p.Leu161*) in the NAA15 gene. It is expected to result in an absent or disrupted protein product. Loss-of-function variants in NAA15 are known to be pathogenic (PMID: 28191889, 29656860). This variant is not present in population databases (gnomAD no frequency). This variant has not been reported in the literature in individuals affected with NAA15-related conditions. For these reasons, this variant has been classified as Pathogenic.

Literature cited by the submitters: PubMed 28191889; PubMed 29656860.

NM_057175.5(NAA15):c.482T>A (p.Leu161Ter)

Gene: NAA15 (N-alpha-acetyltransferase 15, NatA auxiliary subunit; plus strand). Cytogenetic location: 4q31.1.
Variant type: single nucleotide variant.
Coding change: c.482T>A on transcript NM_057175.5 (MANE Select); coding-DNA position 482, T replaced by A.
Protein change: p.Leu161Ter; replaces leucine 161 with a stop codon.
Molecular consequence: nonsense.
Genome position (GRCh38, 1-based): chr4:139,342,905, T>A. VCF-style: chr4-139342905-T-A. GRCh37 (hg19) VCF-style: chr4-140264059-T-A.
Other names: c.482T>A, p.Leu161Ter (NM_001410842.1, NM_025085.2); short protein forms L161*.
Identifiers: ClinVar variation 2121389 (VCV002121389.4), dbSNP rs2530375400, ClinGen allele CA358260164.